The following is an entry in ClinVar:

NM_000814.6(GABRB3):c.905A>T (p.Tyr302Phe)

Gene: GABRB3 (gamma-aminobutyric acid type A receptor subunit beta3; minus strand). Cytogenetic location: 15q12.
Variant type: single nucleotide variant.
Coding change: c.905A>T on transcript NM_000814.6 (MANE Select); coding-DNA position 905, A replaced by T.
Protein change: p.Tyr302Phe; replaces tyrosine 302 with phenylalanine.
Molecular consequence: missense variant.
Genome position (GRCh38, 1-based): chr15:26,561,107, T>A on the plus strand (A>T on the coding strand, the complement: GABRB3 is on the minus strand). VCF-style: chr15-26561107-T-A. GRCh37 (hg19) VCF-style: chr15-26806254-T-A.
Other names: c.650A>T, p.Tyr217Phe (NM_001191320.2, NM_001278631.2); c.692A>T, p.Tyr231Phe (NM_001191321.3); c.905A>T, p.Tyr302Phe (NM_021912.5); short protein forms Y231F, Y217F, Y302F.
Identifiers: ClinVar variation 3280400 (VCV003280400.3).

ClinVar aggregate classification (germline): Conflicting classifications of pathogenicity. Review status: criteria provided, conflicting classifications (1 of 4 stars). 2 submissions from 2 submitters: Likely pathogenic (1); Uncertain significance (1). Last evaluated 2024-06-03.

Conditions:
Inborn genetic diseases. Identifiers: MedGen C0950123, MeSH D030342.
Epilepsy, childhood absence, susceptibility to, 1. Also called: Epilepsy, childhood absence 1. Identifiers: Orphanet 64280, MedGen C1838604, MONDO:0020759, OMIM 600131.
Epilepsy, childhood absence, susceptibility to, 5. Identifiers: Orphanet 64280, MedGen C2677087, MONDO:0012843, OMIM 612269.

Submissions (2):

Ambry Genetics
Classification: Uncertain significance for Inborn genetic diseases. Last evaluated: 2024-06-03. Review status: criteria provided, single submitter. Criteria: Ambry Variant Classification Scheme 2023. Collection method: clinical testing. Allele origin: germline.
Comment: The c.905A>T (p.Y302F) alteration is located in exon 8 (coding exon 8) of the GABRB3 gene. This alteration results from an A to T substitution at nucleotide position 905, causing the tyrosine (Y) at amino acid position 302 to be replaced by a phenylalanine (F). This variant was not reported in population-based cohorts in the Genome Aggregation Database (gnomAD). Another alteration at the same codon, c.905A>G (p.Y302C), has been reported de novo in multiple individuals with clinical features consistent with GABRB3-related seizure disorder (Epi4K, 2013; M&oslash;ller, 2017). This amino acid position is highly conserved in available vertebrate species. This missense alteration is located in a region that has a low rate of benign missense variation (Lek, 2016; Firth, 2009). The in silico prediction for this alteration is inconclusive. Based on insufficient or conflicting evidence, the clinical significance of this alteration remains unclear.

Labcorp Genetics (formerly Invitae), Labcorp
Classification: Likely pathogenic for Epilepsy, childhood absence, susceptibility to, 5; Epilepsy, childhood absence, susceptibility to, 1. Last evaluated: 2024-04-15. Review status: criteria provided, single submitter. Criteria: Invitae Variant Classification Sherloc (09022015). Collection method: clinical testing. Allele origin: germline.
Comment: This sequence change replaces tyrosine, which is neutral and polar, with phenylalanine, which is neutral and non-polar, at codon 302 of the GABRB3 protein (p.Tyr302Phe). This variant is not present in population databases (gnomAD no frequency). This missense change has been observed in individual(s) with developmental and epileptic encephalopathy (Invitae). Advanced modeling of protein sequence and biophysical properties (such as structural, functional, and spatial information, amino acid conservation, physicochemical variation, residue mobility, and thermodynamic stability) performed at Invitae indicates that this missense variant is expected to disrupt GABRB3 protein function with a positive predictive value of 95%. This variant disrupts the p.Tyr302 amino acid residue in GABRB3. Other variant(s) that disrupt this residue have been determined to be pathogenic (PMID: 23934111, 28053010). This suggests that this residue is clinically significant, and that variants that disrupt this residue are likely to be disease-causing. In summary, the currently available evidence indicates that the variant is pathogenic, but additional data are needed to prove that conclusively. Therefore, this variant has been classified as Likely Pathogenic.

Literature cited by the submitters: PubMed 23934111 (cited by Ambry Genetics and Labcorp Genetics (formerly Invitae), Labcorp); PubMed 28053010 (cited by Ambry Genetics and Labcorp Genetics (formerly Invitae), Labcorp).